The following is an entry in ClinVar:

NM_000455.5(STK11):c.863-2_863-1del

Gene: STK11 (serine/threonine kinase 11; plus strand). Cytogenetic location: 19p13.3.
Variant type: Deletion.
Coding change: c.863-2_863-1del on transcript NM_000455.5 (MANE Select); the canonical splice acceptor site of the intron before coding-DNA position 863, 2 bases deleted (AG; older notation c.863-2_863-1delAG).
Molecular consequence: splice acceptor variant.
Genome position (GRCh38, 1-based): chr19:1,221,947-1,221,948, AG deleted. VCF-style (leftmost placement, unchanged base first): chr19-1221946-CAG-C. GRCh37 (hg19) VCF-style: chr19-1221945-CAG-C.
Other names: c.863-2_863-1delAG (NM_000455.4).
Identifiers: ClinVar variation 916331 (VCV000916331.41), dbSNP rs2080787333, ClinGen allele CA1139666157.
Genomic context (GRCh38, chr19:1,221,946, plus strand): 5'-GGACGGTTGGTGGGGTCTCAGGCCTGTGCCCAGCTGACAGGCTCCTCGCCGGCTTCTCCT[CAG>C]GGATGCTTGAGTACGAACCGGCCAAGAGGTTCTCCATCCGGCAGATCCGGCAGCACAGGT-3'

ClinVar aggregate classification (germline): Pathogenic/Likely pathogenic. Review status: criteria provided, multiple submitters, no conflicts (2 of 4 stars). 2 submissions from 2 submitters: Pathogenic (1); Likely pathogenic (1). Last evaluated 2025-08-06.

Conditions:
Hereditary cancer-predisposing syndrome. Also called: Hereditary Cancer Syndrome; Tumor predisposition; Neoplastic Syndromes, Hereditary; Hereditary neoplastic syndrome. Identifiers: Orphanet 140162, MedGen C0027672, MeSH D009386, MONDO:0015356.

Submissions (2):

Ambry Genetics
Classification: Likely pathogenic for Hereditary cancer-predisposing syndrome. Last evaluated: 2025-08-06. Review status: criteria provided, single submitter. Criteria: Ambry Variant Classification Scheme 2023. Collection method: clinical testing. Allele origin: germline.
Comment: The c.863-2_863-1delAG intronic variant begins two nucleotides before coding exon 7 in the STK11 gene. This variant results from a deletion of two nucleotides at positions c.863-2 to c.863-1. Alterations that disrupt the canonical splice site are expected to result in aberrant splicing. In silico splice site analysis predicts that this alteration will weaken the native splice acceptor site and may result in the creation or strengthening of a novel splice acceptor site. A resulting transcript is predicted to be in-frame and is not expected to trigger nonsense-mediated mRNA decay; although, direct evidence is unavailable. This variant was reported in individual(s) with features consistent with Peutz-Jeghers syndrome (Aretz S et al. Hum Mutat, 2005 Dec;26:513-9; Ambry internal data). This variant is considered to be rare based on population cohorts in the Genome Aggregation Database (gnomAD). This canonical splice site is highly conserved in available vertebrate species. Based on the majority of available evidence to date, this variant is likely to be pathogenic.

CeGaT Center for Human Genetics Tuebingen
Classification: Pathogenic. Last evaluated: 2020-02-01. Review status: criteria provided, single submitter. Criteria: CeGaT Center For Human Genetics Tuebingen Variant Classification Criteria Version 2. Collection method: clinical testing. Allele origin: germline. Affected: yes. Observed: 1 variant allele.

Literature cited by the submitters: PubMed 16287113 (cited by Ambry Genetics).